The following is an entry in ClinVar:

NM_020779.4(WDR35):c.681T>C (p.Leu227=)

Gene: WDR35 (WD repeat domain 35; minus strand). Cytogenetic location: 2p24.1.
Variant type: single nucleotide variant.
Coding change: c.681T>C on transcript NM_020779.4 (MANE Select); coding-DNA position 681, T replaced by C.
Protein change: p.Leu227=; no amino-acid change (leucine 227 retained).
Molecular consequence: synonymous variant.
Genome position (GRCh38, 1-based): chr2:19,974,523, A>G on the plus strand (T>C on the coding strand, the complement: WDR35 is on the minus strand). VCF-style: chr2-19974523-A-G. GRCh37 (hg19) VCF-style: chr2-20174284-A-G.
Other names: c.681T>C, p.Leu227= (NM_001006657.2).
Identifiers: ClinVar variation 771068 (VCV000771068.13), dbSNP rs143901897, ClinGen allele CA1543467.

ClinVar aggregate classification (germline): Likely benign. Review status: criteria provided, single submitter (1 of 4 stars). 2 submissions from 2 submitters: Likely benign (1). 1 of the submissions does not count toward it. Last evaluated 2025-05-23.

Conditions:
WDR35-related disorder. Also called: WDR35-related disorders; WDR35-related condition. Identifiers: MedGen CN239419.
Cranioectodermal dysplasia 2 (CED2). Identifiers: Orphanet 1515, MedGen C3150874, MONDO:0013323, OMIM 613610.
Short-rib thoracic dysplasia 7 with or without polydactyly (SRTD7). Also called: Short rib polydactyly syndrome 5; SHORT-RIB THORACIC DYSPLASIA 7 WITH POLYDACTYLY. Identifiers: Orphanet 498497, Orphanet 93271, MedGen C3279792, MONDO:0013569, OMIM 614091.

Allele frequency attached by ClinVar (database versions not stated): gnomAD exomes 0.00003 and 0.00008; ExAC 0.00008; ESP Exome Variant Server 0.00015; gnomAD 0.00028 and 0.00030; TOPMed 0.00041; 1000 Genomes Project 0.00060; 1000 Genomes Project 30x 0.00062.
gnomAD v4.1: 82 of 1,612,410 alleles (0.0051%); highest among the groups gnomAD compares: African/African-American, 0.11%; no homozygotes.

Submissions (2):

Labcorp Genetics (formerly Invitae), Labcorp
Classification: Likely benign for Cranioectodermal dysplasia 2; Short-rib thoracic dysplasia 7 with or without polydactyly. Last evaluated: 2025-05-23. Review status: criteria provided, single submitter. Criteria: Invitae Variant Classification Sherloc (09022015). Collection method: clinical testing. Allele origin: germline.

PreventionGenetics, part of Exact Sciences
Classification: Likely benign for WDR35-related condition. Last evaluated: 2024-01-11. Review status: no assertion criteria provided. Collection method: clinical testing. Allele origin: germline. Not counted in ClinVar's aggregate classification.
Comment: This variant is classified as likely benign based on ACMG/AMP sequence variant interpretation guidelines (Richards et al. 2015 PMID: 25741868, with internal and published modifications).